The following is an entry in ClinVar:

ClinVar aggregate classification (germline): Benign/Likely benign. Review status: criteria provided, multiple submitters, no conflicts (2 of 4 stars). 11 submissions from 11 submitters: Benign (6); Likely benign (1). 4 of the submissions do not count toward it. Last evaluated 2026-09-01.

Conditions:
LMNA-related disorder. Also called: LMNA-related condition; LMNA-related disease; LMNA-related disorders. Identifiers: MedGen CN380145.
Charcot-Marie-Tooth disease type 2. Also called: Charcot-Marie-Tooth type 2. Identifiers: Orphanet 64746, MedGen C0270914, MONDO:0018993.

Allele frequency attached by ClinVar (database versions not stated): 1000 Genomes Project 30x 0.00187; 1000 Genomes Project 0.00220; TOPMed 0.00451; ESP Exome Variant Server 0.00454; gnomAD exomes 0.00696 and 0.01016; gnomAD 0.00890 and 0.00929; ExAC 0.00910.
gnomAD v4.1: 11,563 of 1,612,684 alleles (0.72%); highest among the groups gnomAD compares: Middle Eastern, 2.6%; 127 homozygotes.

Submissions (18):

CeGaT Center for Human Genetics Tuebingen
Classification: Likely benign. Last evaluated: 2026-09-01. Review status: criteria provided, single submitter. Criteria: CeGaT Center For Human Genetics Tuebingen Variant Classification Criteria Version 2. Collection method: clinical testing. Allele origin: germline. Affected: yes. Observed: 197 variant alleles.
Comment: LMNA: BS2

Labcorp Genetics (formerly Invitae), Labcorp
Classification: Benign for Charcot-Marie-Tooth disease type 2. Last evaluated: 2026-01-12. Review status: criteria provided, single submitter. Criteria: Invitae Variant Classification Sherloc (09022015). Collection method: clinical testing. Allele origin: germline.

ARUP Laboratories, Molecular Genetics and Genomics, ARUP Laboratories
Classification: Benign. Last evaluated: 2025-05-23. Review status: criteria provided, single submitter. Criteria: ARUP Molecular Germline Variant Investigation Process 2024. Collection method: clinical testing. Allele origin: germline.

GeneDx
Classification: Benign. Last evaluated: 2018-06-14. Review status: criteria provided, single submitter. Criteria: GeneDx Variant Classification (06012015). Collection method: clinical testing. Allele origin: germline. Affected: yes.
Comment: This variant is considered likely benign or benign based on one or more of the following criteria: it is a conservative change, it occurs at a poorly conserved position in the protein, it is predicted to be benign by multiple in silico algorithms, and/or has population frequency not consistent with disease.

Center for Pediatric Genomic Medicine, Children's Mercy Hospital and Clinics
Classification: Benign. Last evaluated: 2017-05-30. Review status: criteria provided, single submitter. Criteria: ACMG Guidelines, 2015. Collection method: clinical testing. Allele origin: germline.

Eurofins Ntd Llc (ga)
Classification: Benign. Last evaluated: 2016-12-03. Review status: criteria provided, single submitter. Criteria: EGL Classification Definitions 2015. Collection method: clinical testing. Allele origin: germline. Observed: 22 variant alleles, 21 heterozygotes.

Breakthrough Genomics
Classification: Benign. Review status: criteria provided, single submitter. Criteria: ACMG Guidelines, 2015. Collection method: not provided. Allele origin: germline. Inheritance: Autosomal recessive inheritance. Affected: yes.

PreventionGenetics, part of Exact Sciences
Classification: Benign for LMNA-related condition. Last evaluated: 2019-10-15. Review status: no assertion criteria provided. Collection method: clinical testing. Allele origin: germline. Not counted in ClinVar's aggregate classification.
Comment: This variant is classified as benign based on ACMG/AMP sequence variant interpretation guidelines (Richards et al. 2015 PMID: 25741868, with internal and published modifications).

Dr. Peter K. Rogan Lab, Western University
No classification provided (evidence only). Condition: Lung cancer. Review status: no classification provided. Collection method: in vitro. Allele origin: not applicable. Functional consequence: retained intron. Not counted in ClinVar's aggregate classification.

Dr. Peter K. Rogan Lab, Western University
No classification provided (evidence only). Condition: Lung cancer. Review status: no classification provided. Collection method: in vitro. Allele origin: not applicable. Functional consequence: retained intron. Not counted in ClinVar's aggregate classification.

Dr. Peter K. Rogan Lab, Western University
No classification provided (evidence only). Condition: Ovarian serous cystadenocarcinoma. Review status: no classification provided. Collection method: in vitro. Allele origin: not applicable. Functional consequence: retained intron. Not counted in ClinVar's aggregate classification.

Dr. Peter K. Rogan Lab, Western University
No classification provided (evidence only). Condition: Ovarian serous cystadenocarcinoma. Review status: no classification provided. Collection method: in vitro. Allele origin: not applicable. Functional consequence: retained intron. Not counted in ClinVar's aggregate classification.

Dr. Peter K. Rogan Lab, Western University
No classification provided (evidence only). Condition: Ovarian serous cystadenocarcinoma. Review status: no classification provided. Collection method: in vitro. Allele origin: not applicable. Functional consequence: retained intron. Not counted in ClinVar's aggregate classification.

Dr. Peter K. Rogan Lab, Western University
No classification provided (evidence only). Condition: Uveal melanoma. Review status: no classification provided. Collection method: in vitro. Allele origin: not applicable. Functional consequence: retained intron. Not counted in ClinVar's aggregate classification.

Dr. Peter K. Rogan Lab, Western University
No classification provided (evidence only). Condition: Familial pancreatic carcinoma. Review status: no classification provided. Collection method: in vitro. Allele origin: not applicable. Functional consequence: retained intron. Not counted in ClinVar's aggregate classification.

Epithelial Biology;  Institute of Medical Biology, Singapore
No classification provided. Review status: no classification provided. Collection method: not provided. Allele origin: not provided. Not counted in ClinVar's aggregate classification.

Genome Diagnostics Laboratory, University Medical Center Utrecht
Classification: Benign. Review status: no assertion criteria provided. Collection method: clinical testing. Allele origin: germline. Affected: yes. Study: VKGL Data-share Consensus. Not counted in ClinVar's aggregate classification.

Joint Genome Diagnostic Labs from Nijmegen and Maastricht, Radboudumc and MUMC+
Classification: Likely benign. Review status: no assertion criteria provided. Collection method: clinical testing. Allele origin: germline. Affected: yes. Study: VKGL Data-share Consensus. Not counted in ClinVar's aggregate classification.

NM_170707.4(LMNA):c.1158-44C>T

Gene: LMNA (lamin A/C; plus strand). Cytogenetic location: 1q22.
Variant type: single nucleotide variant.
Coding change: c.1158-44C>T on transcript NM_170707.4 (MANE Select); 44 bases into the intron before coding-DNA position 1158, C replaced by T.
Molecular consequence: intron variant.
Genome position (GRCh38, 1-based): chr1:156,136,170, C>T. VCF-style: chr1-156136170-C-T. GRCh37 (hg19) VCF-style: chr1-156105961-C-T.
Other names: c.1158-44C>T (NM_001282625.2, NM_001282626.2, NM_170708.4 and 1 more transcripts); c.822-44C>T (NM_001257374.3); c.915-44C>T (NM_001282624.2).
Identifiers: ClinVar variation 66786 (VCV000066786.60), dbSNP rs141879453, ClinGen allele CA016772.